The following is an entry in ClinVar:

ClinVar aggregate classification (germline): Benign/Likely benign. Review status: criteria provided, multiple submitters, no conflicts (2 of 4 stars). 2 submissions from 2 submitters: Benign (1); Likely benign (1). Last evaluated 2018-09-26.

Allele frequency attached by ClinVar (database versions not stated): gnomAD exomes 0.00044 and 0.00126; ExAC 0.00165; 1000 Genomes Project 0.00339; 1000 Genomes Project 30x 0.00359; gnomAD 0.00430 and 0.00465; ESP Exome Variant Server 0.00478; TOPMed 0.00479.
gnomAD v4.1: 1,306 of 1,609,522 alleles (0.081%); highest among the groups gnomAD compares: African/African-American, 1.5%; 10 homozygotes.

Submissions (2):

GeneDx
Classification: Likely benign. Last evaluated: 2018-09-26. Review status: criteria provided, single submitter. Criteria: GeneDx Variant Classification Process June 2021. Collection method: clinical testing. Allele origin: germline. Affected: yes.

Women's Health and Genetics/Laboratory Corporation of America, LabCorp
Classification: Benign. Last evaluated: 2017-01-09. Review status: criteria provided, single submitter. Criteria: LabCorp Variant Classification Summary - May 2015. Collection method: clinical testing. Allele origin: germline.
Comment: Variant summary: The GAA c.859-21G>A variant involves the alteration of a non-conserved intronic nucleotide. One in silico tool predicts a benign outcome for this variant. 5/5 splice prediction tools predict no significant impact on normal splicing. This variant was found in 173/104790 control chromosomes, predominantly observed in the African subpopulation at a frequency of 0.0176121 (154/8744). This frequency is about 4 times the estimated maximal expected allele frequency of a pathogenic GAA variant (0.0042205), suggesting this is likely a benign polymorphism found primarily in the populations of African origin. The variant of interest has not, to our knowledge, been reported in affected individuals via publications and/or reputable databases/clinical diagnostic laboratories; nor evaluated for functional impact by in vivo/vitro studies. Taken together, this variant is classified as benign.

NM_000152.5(GAA):c.859-21G>A

Gene: GAA (alpha glucosidase; plus strand). Cytogenetic location: 17q25.3.
Variant type: single nucleotide variant.
Coding change: c.859-21G>A on transcript NM_000152.5 (MANE Select); 21 bases into the intron before coding-DNA position 859, G replaced by A.
Molecular consequence: intron variant.
Genome position (GRCh38, 1-based): chr17:80,107,779, G>A. VCF-style: chr17-80107779-G-A. GRCh37 (hg19) VCF-style: chr17-78081578-G-A.
Other names: c.859-21G>A (LRG_673t1, NM_001079803.3, NM_001079804.3).
Identifiers: ClinVar variation 495670 (VCV000495670.3), dbSNP rs185883087, ClinGen allele CA8815066.